The following is an entry in ClinVar:

ClinVar aggregate classification (germline): Pathogenic. Review status: criteria provided, single submitter (1 of 4 stars). 2 submissions from 2 submitters: Pathogenic (1). 1 of the submissions does not count toward it. Last evaluated 2019-11-26.

Conditions:
Steinert myotonic dystrophy syndrome (DM1). Also called: STEINERT DISEASE; Myotonic dystrophy type 1; Dystrophia myotonica type 1; Steinert myotonic dystrophy; Steinert's disease. Identifiers: Orphanet 273, MedGen C3250443, MONDO:0008056, OMIM 160900.

Submissions (2):

Neuromuscular Research, Maastricht University Medical Centre
Classification: Pathogenic for Steinert myotonic dystrophy syndrome. Last evaluated: 2019-11-26. Review status: criteria provided, single submitter. Criteria: Best practice guidelines on molecular diagnosis DM1 and DM2, Kamsteeg et al. 2012. Collection method: clinical testing. Allele origin: paternal. Affected: yes.

Institute of Molecular, Cell and Systems Biology, University of Glasgow
Classification: Pathogenic for Steinert myotonic dystrophy syndrome. Review status: no assertion criteria provided. Criteria: research. Collection method: research. Allele origin: germline. Inheritance: Autosomal dominant inheritance. Affected: yes. Observed: 1 heterozygote. Not counted in ClinVar's aggregate classification.
Comment: DMPK CTG repeat expansions greater than approximately 45-50 repeats are assumed to be pathogenic

This record is based on data published in PubMed 25052313, which reports only ClinVar accessions SCV000120188 and SCV000120189. The complete data set includes SCV000207445 - SCV000207579.

Literature cited by the submitters: PubMed 32203199 (cited by Neuromuscular Research, Maastricht University Medical Centre); PubMed 1346923 (cited by Institute of Molecular, Cell and Systems Biology, University of Glasgow); PubMed 1546326 (cited by Institute of Molecular, Cell and Systems Biology, University of Glasgow); PubMed 25052313 (cited by Institute of Molecular, Cell and Systems Biology, University of Glasgow).

NM_004409.5(DMPK):c.*224CTG[59]

Genes: DM1-AS (DM1 locus antisense RNA; plus strand), DMPK (DM1 protein kinase; minus strand), LOC107075317 (origin of replication in DMPK trinucleotide repeat region; plus strand), LOC109461477 (dystrophia myotonica protein kinase repeat instability region; plus strand). Cytogenetic location: 19q13.32.
Variant type: Microsatellite.
Coding change: c.*224CTG[59] on transcript NM_004409.5 (MANE Select); 59 copies in a row of the 3-base unit CTG starting at c.*224.
Molecular consequence: 3 prime UTR variant.
Genome position: GRCh38, VCF-style position (the base before the change): chr19:45,770,204. GRCh37 (hg19), VCF-style position (the base before the change): chr19:46,273,462.
Other names: DM1 CTG repeat expansion; c.*217CTG[59] (NM_001424163.1, NM_001424166.1, NM_001424162.1 and 2 more transcripts); c.*369CTG[59] (NM_001424164.1, NM_001424168.1, NM_001288766.2); c.*224CTG[59] (NM_001424165.1, NM_001424169.1, NM_001081560.3 and 1 more transcripts); c.*222_*224TGC[59] (NM_001081563.3).
Identifiers: ClinVar variation 188009 (VCV000188009.3), ClinGen allele CA915951839.